The following is an entry in ClinVar:

NM_000260.4(MYO7A):c.4569-1G>A

Gene: MYO7A (myosin VIIA; plus strand). Cytogenetic location: 11q13.5.
Variant type: single nucleotide variant.
Coding change: c.4569-1G>A on transcript NM_000260.4 (MANE Select); the canonical splice acceptor site of the intron before coding-DNA position 4569, G replaced by A.
Molecular consequence: splice acceptor variant. On other transcripts: intron variant (2).
Genome position (GRCh38, 1-based): chr11:77,199,534, G>A. VCF-style: chr11-77199534-G-A. GRCh37 (hg19) VCF-style: chr11-76910579-G-A.
Other names: c.4569-115G>A (NM_001127180.2); c.4536-115G>A (NM_001369365.1).
Identifiers: ClinVar variation 558455 (VCV000558455.10), dbSNP rs775792432, ClinGen allele CA6198499.

ClinVar aggregate classification (germline): Likely pathogenic. Review status: criteria provided, multiple submitters, no conflicts (2 of 4 stars). 4 submissions from 4 submitters: Likely pathogenic (3). 1 of the submissions does not count toward it. Last evaluated 2026-01-13.

Conditions:
MYO7A-related disorder. Also called: MYO7A-related disorders.
Usher syndrome type 1 (USH1). Also called: RETINITIS PIGMENTOSA AND CONGENITAL DEAFNESS. Identifiers: Orphanet 231169, Orphanet 886, MedGen C1568247, MONDO:0010168, OMIM 276900.
Autosomal recessive nonsyndromic hearing loss 2. Also called: DEAFNESS, AUTOSOMAL RECESSIVE 2; NEUROSENSORY NONSYNDROMIC RECESSIVE DEAFNESS 2. Identifiers: Orphanet 90636, MedGen C1838701, MONDO:0010807, OMIM 600060.
Usher syndrome type 1B (USH1B). Also called: Usher syndrome type IB. Identifiers: MedGen C1848638, MONDO:0700087.

Allele frequency attached by ClinVar (database versions not stated): gnomAD 0.00001; gnomAD exomes 0.00001; TOPMed 0.00004; ExAC 0.00017.
gnomAD v4.1: 2 of 1,488,838 alleles (0.00013%); highest among the groups gnomAD compares: African/African-American, 0.0028%; no homozygotes.

Submissions (4):

Natera, Inc.
Classification: Likely pathogenic for Usher syndrome type 1B. Last evaluated: 2026-01-13. Review status: criteria provided, single submitter. Criteria: Natera Variant Classification Schema (03/2026). Collection method: clinical testing. Allele origin: germline.
Comment: The c.4569-1G>A variant in MYO7A is a canonical splice acceptor site variant predicted to affect pre-mRNA splicing, which may result in an abnormal transcript and altered protein product. This variant is expected to result in nonsense mediated decay, truncation, or a dysfunctional protein product. This variant is rare in the general population with a frequency below the threshold expected for the associated phenotype(s). Given the available evidence, this variant is classified as Likely Pathogenic.

PreventionGenetics, part of Exact Sciences
Classification: Likely pathogenic for MYO7A-related condition. Last evaluated: 2024-12-04. Review status: criteria provided, single submitter. Criteria: ACMG Guidelines, 2015. Collection method: clinical testing. Allele origin: germline.
Comment: The MYO7A c.4569-1G>A variant is predicted to disrupt the AG splice acceptor site and interfere with normal splicing. To our knowledge, this variant has not been reported in individuals with MYO7A-related conditions. This variant is reported in 0.014% of alleles in individuals of African descent in gnomAD. Variants that disrupt the consensus splice acceptor site in MYO7A are expected to be pathogenic. This variant is interpreted as likely pathogenic.

Labcorp Genetics (formerly Invitae), Labcorp
Classification: Likely pathogenic. Last evaluated: 2022-11-22. Review status: criteria provided, single submitter. Criteria: Invitae Variant Classification Sherloc (09022015). Collection method: clinical testing. Allele origin: germline.
Comment: ClinVar contains an entry for this variant (Variation ID: 558455). This sequence change affects an acceptor splice site in intron 34 of the MYO7A gene. It is expected to disrupt RNA splicing. Variants that disrupt the donor or acceptor splice site typically lead to a loss of protein function (PMID: 16199547), and loss-of-function variants in MYO7A are known to be pathogenic (PMID: 8900236, 25404053). This variant is present in population databases (rs775792432, gnomAD 0.01%). This variant has not been reported in the literature in individuals affected with MYO7A-related conditions. Algorithms developed to predict the effect of sequence changes on RNA splicing suggest that this variant may disrupt the consensus splice site. In summary, the currently available evidence indicates that the variant is pathogenic, but additional data are needed to prove that conclusively. Therefore, this variant has been classified as Likely Pathogenic.

Counsyl
Classification: Likely pathogenic for Usher syndrome type 1; Autosomal recessive nonsyndromic hearing loss 2. Last evaluated: 2018-05-23. Review status: no assertion criteria provided. Collection method: clinical testing. Allele origin: unknown. Not counted in ClinVar's aggregate classification.

Literature cited by the submitters: PubMed 16199547 (cited by Labcorp Genetics (formerly Invitae), Labcorp); PubMed 8900236 (cited by Labcorp Genetics (formerly Invitae), Labcorp); PubMed 25404053 (cited by Labcorp Genetics (formerly Invitae), Labcorp).